The following is an entry in ClinVar:

NM_022841.7(RFX7):c.3576_3577insTA (p.Val1193Ter)

Gene: RFX7 (regulatory factor X7; minus strand). Cytogenetic location: 15q21.3.
Variant type: Insertion.
Coding change: c.3576_3577insTA on transcript NM_022841.7 (MANE Select); coding-DNA positions 3576 to 3577, TA inserted.
Protein change: p.Val1193Ter; replaces valine 1193 with a stop codon.
Molecular consequence: nonsense.
Genome position: GRCh38 VCF-style: chr15-56094151-C-CTA. GRCh37 (hg19) VCF-style: chr15-56386349-C-CTA.
Other names: c.3285_3286insTA, p.Val1096Ter (NM_001368073.2, NM_001368074.1, NM_001370554.1); c.3576_3577insTA, p.Val1193Ter (NM_001370561.1); short protein forms V1096*, V1193*.
Identifiers: ClinVar variation 3252622 (VCV003252622.2), dbSNP rs2504985657.

ClinVar aggregate classification (germline): Uncertain significance (1 of 4 stars; one submission).

Submission:

GeneDx
Classification: Uncertain significance. Last evaluated: 2025-11-12. Review status: criteria provided, single submitter. Criteria: GeneDx Variant Classification Process June 2021. Collection method: clinical testing. Allele origin: germline.
Comment: Not observed at significant frequency in large population cohorts (gnomAD); Nonsense variant predicted to result in protein truncation as the last 268 amino acid(s) are lost; Has not been previously published as pathogenic or benign to our knowledge